The following is an entry in ClinVar:

NM_004006.3(DMD):c.6838dup (p.Ser2280fs)

Gene: DMD (dystrophin; minus strand). Cytogenetic location: Xp21.1.
Variant type: Duplication.
Coding change: c.6838dup on transcript NM_004006.3 (MANE Select); coding-DNA position 6838, one base duplicated (A; older notation c.6838dupA).
Protein change: p.Ser2280fs; shifts the reading frame from serine 2280.
Molecular consequence: frameshift variant. On other transcripts: 5 prime UTR variant (5).
Genome position (GRCh38, 1-based): chrX:31,929,670, T duplicated on the plus strand (A on the coding strand, the reverse complement: DMD is on the minus strand); the first of 2 consecutive T bases (chrX:31,929,670-31,929,671); duplicating either gives the same sequence. VCF-style (leftmost placement, unchanged base first): chrX-31929669-C-CT. GRCh37 (hg19) VCF-style: chrX-31947786-C-CT.
Other names: c.6814dup, p.Ser2272fs (NM_000109.4); c.6826dup, p.Ser2276fs (NM_004009.3); c.6469dup, p.Ser2157fs (NM_004010.3); c.2815dup, p.Ser939fs (NM_004011.4); c.2806dup, p.Ser936fs (NM_004012.4); c.-543dup (NM_004013.3, NM_004020.4, NM_004021.3 and 2 more transcripts); short protein forms S2272fs, S936fs, S939fs, S2276fs, S2280fs, S2157fs.
Identifiers: ClinVar variation 1427559 (VCV001427559.6), dbSNP rs2149989683, ClinGen allele CA2573158653.
Genomic context (GRCh38, chrX:31,929,669, plus strand): 5'-AGATTTGTCTGCTTGAGCTTATTTTCAAGTTTATCTTGCTCTTCTGGGCTTATGGGAGCA[C>CT]TTACAAGCACGGGTCCTCCAGTTTCATTTAATTGTTTGAGAATTCCCTGGCGCAGGGGCA-3'

ClinVar aggregate classification (germline): Pathogenic (1 of 4 stars; one submission).

Conditions:
Duchenne muscular dystrophy (DMD). Also called: MUSCULAR DYSTROPHY, PSEUDOHYPERTROPHIC PROGRESSIVE, DUCHENNE TYPE; Duchenne Muscular Dystrophy (DMD). Identifiers: Orphanet 98896, MedGen C0013264, MONDO:0010679, OMIM 310200.

Submission:

Labcorp Genetics (formerly Invitae), Labcorp
Classification: Pathogenic for Duchenne muscular dystrophy. Last evaluated: 2024-03-11. Review status: criteria provided, single submitter. Criteria: Invitae Variant Classification Sherloc (09022015). Collection method: clinical testing. Allele origin: germline.
Comment: This sequence change creates a premature translational stop signal (p.Ser2280Lysfs*11) in the DMD gene. It is expected to result in an absent or disrupted protein product. Loss-of-function variants in DMD are known to be pathogenic (PMID: 16770791, 25007885). This variant is not present in population databases (gnomAD no frequency). This premature translational stop signal has been observed in individual(s) with Duchenne muscular dystrophy (PMID: 28318817). ClinVar contains an entry for this variant (Variation ID: 1427559). For these reasons, this variant has been classified as Pathogenic.

Literature cited by the submitters: PubMed 16770791; PubMed 25007885; PubMed 28318817.